The following is an entry in ClinVar:

ClinVar aggregate classification (germline): Conflicting classifications of pathogenicity. Review status: criteria provided, conflicting classifications (1 of 4 stars). 6 submissions from 6 submitters: Uncertain significance (2); Benign (1); Likely benign (2). 1 of the submissions does not count toward it. Last evaluated 2025-08-07.

Conditions:
PIEZO1-related disorder. Also called: PIEZO1-Related Disorders; PIEZO1-related condition.

Allele frequency attached by ClinVar (database versions not stated): ExAC 0.00066; 1000 Genomes Project 0.00080; gnomAD exomes 0.00104; 1000 Genomes Project 30x 0.00109; gnomAD 0.00141 and 0.00147; TOPMed 0.00151.
gnomAD v4.1: 3,156 of 1,549,890 alleles (0.2%); highest among the groups gnomAD compares: Non-Finnish European, 0.25%; 6 homozygotes.

Submissions (6):

Labcorp Genetics (formerly Invitae), Labcorp
Classification: Likely benign. Last evaluated: 2025-08-07. Review status: criteria provided, single submitter. Criteria: Invitae Variant Classification Sherloc (09022015). Collection method: clinical testing. Allele origin: germline.

ARUP Laboratories, Molecular Genetics and Genomics, ARUP Laboratories
Classification: Benign. Last evaluated: 2025-05-07. Review status: criteria provided, single submitter. Criteria: ARUP Molecular Germline Variant Investigation Process 2024. Collection method: clinical testing. Allele origin: germline.

Mayo Clinic Laboratories, Mayo Clinic
Classification: Uncertain significance. Last evaluated: 2024-12-19. Review status: criteria provided, single submitter. Criteria: ACMG Guidelines, 2015. Collection method: clinical testing. Allele origin: germline. Observed: 5 variant alleles.
Comment: BP4, PP3

CeGaT Center for Human Genetics Tuebingen
Classification: Likely benign. Last evaluated: 2023-12-01. Review status: criteria provided, single submitter. Criteria: CeGaT Center For Human Genetics Tuebingen Variant Classification Criteria Version 2. Collection method: clinical testing. Allele origin: germline. Affected: yes. Observed: 1 variant allele.
Comment: PIEZO1: BP4

Breakthrough Genomics
Classification: Uncertain significance. Review status: criteria provided, single submitter. Criteria: ACMG Guidelines, 2015. Collection method: not provided. Allele origin: germline. Inheritance: Autosomal recessive inheritance. Affected: yes.

PreventionGenetics, part of Exact Sciences
Classification: Likely benign for PIEZO1-related condition. Last evaluated: 2022-07-28. Review status: no assertion criteria provided. Collection method: clinical testing. Allele origin: germline. Not counted in ClinVar's aggregate classification.
Comment: This variant is classified as likely benign based on ACMG/AMP sequence variant interpretation guidelines (Richards et al. 2015 PMID: 25741868, with internal and published modifications).

NM_001142864.4(PIEZO1):c.2409G>C (p.Gln803His)

Genes: HSALR1 (HSP90AB1 associated lncRNA 1; plus strand), PIEZO1 (piezo type mechanosensitive ion channel component 1 (Er blood group); minus strand). Cytogenetic location: 16q24.3.
Variant type: single nucleotide variant.
Coding change: c.2409G>C on transcript NM_001142864.4 (MANE Select); coding-DNA position 2409, G replaced by C.
Protein change: p.Gln803His; replaces glutamine 803 with histidine.
Molecular consequence: missense variant.
Genome position (GRCh38, 1-based): chr16:88,733,666, C>G on the plus strand (G>C on the coding strand, the complement: PIEZO1 is on the minus strand). VCF-style: chr16-88733666-C-G. GRCh37 (hg19) VCF-style: chr16-88800074-C-G.
Other names: c.2409G>C, p.Gln803His (LRG_1137t1); c.2409G>C (NM_001142864.3); short protein forms Q803H.
Identifiers: ClinVar variation 618275 (VCV000618275.40), dbSNP rs200029740, ClinGen allele CA8232784.